The following is an entry in ClinVar:

NM_173598.6(KSR2):c.665C>A (p.Thr222Asn)

Gene: KSR2 (kinase suppressor of ras 2; minus strand). Cytogenetic location: 12q24.23.
Variant type: single nucleotide variant.
Coding change: c.665C>A on transcript NM_173598.6 (MANE Select); coding-DNA position 665, C replaced by A.
Protein change: p.Thr222Asn; replaces threonine 222 with asparagine.
Molecular consequence: missense variant.
Genome position (GRCh38, 1-based): chr12:117,761,332, G>T on the plus strand (C>A on the coding strand, the complement: KSR2 is on the minus strand). VCF-style: chr12-117761332-G-T. GRCh37 (hg19) VCF-style: chr12-118199137-G-T.
Other names: short protein forms T222N.
Identifiers: ClinVar variation 4995265 (VCV004995265.1).

ClinVar aggregate classification (germline): Uncertain significance (1 of 4 stars; one submission).

Conditions:
KSR2-related disorder. Also called: KSR2-related condition.

gnomAD v4.1: 1 of 1,570,728 alleles (0.000064%); highest among the groups gnomAD compares: Non-Finnish European, 0.000086%; no homozygotes.

Submission:

PreventionGenetics, part of Exact Sciences
Classification: Uncertain significance for KSR2-related condition. Last evaluated: 2026-09-23. Review status: criteria provided, single submitter. Criteria: ACMG Guidelines, 2015. Collection method: clinical testing. Allele origin: germline.
Comment: The KSR2 c.578C>A variant is predicted to result in the amino acid substitution p.Thr193Asn. To our knowledge, this variant has not been reported in the literature or in a large population database (gnomAD), indicating this variant is rare. At this time, the clinical significance of this variant is uncertain due to the absence of conclusive functional and genetic evidence.